The following is an entry in ClinVar:

NM_000388.4(CASR):c.1685G>T (p.Cys562Phe)

Gene: CASR (calcium sensing receptor; plus strand). Cytogenetic location: 3q21.1.
Variant type: single nucleotide variant.
Coding change: c.1685G>T on transcript NM_000388.4 (MANE Select); coding-DNA position 1685, G replaced by T.
Protein change: p.Cys562Phe; replaces cysteine 562 with phenylalanine.
Molecular consequence: missense variant.
Genome position (GRCh38, 1-based): chr3:122,282,189, G>T. VCF-style: chr3-122282189-G-T. GRCh37 (hg19) VCF-style: chr3-122001036-G-T.
Other names: c.1715G>T, p.Cys572Phe (NM_001178065.2); short protein forms C562F, C572F.
Identifiers: ClinVar variation 3756527 (VCV003756527.2).
Genomic context (GRCh38, chr3:122,282,189, plus strand): 5'-GCAGCCGAGACTGCCTGGCAGGGACCAGGAAAGGGATCATTGAGGGGGAGCCCACCTGCT[G>T]CTTTGAGTGTGTGGAGTGTCCTGATGGGGAGTATAGTGATGAGACAGGTAAGGGAACCCC-3'
Protein context (NP_000379.3, residues 552-572): KGIIEGEPTC[Cys562Phe]FECVECPDGE

ClinVar aggregate classification (germline): Likely pathogenic (1 of 4 stars; one submission).

Conditions:
Familial hypocalciuric hypercalcemia (FHH). Also called: Familial benign hypercalcemia. Identifiers: Orphanet 405, MedGen C1809471, MONDO:0018458.
Autosomal dominant hypocalcemia 1 (HYPOC1). Also called: HYPOCALCEMIA, FAMILIAL. Identifiers: MedGen C3715128, MONDO:0011013, OMIM 601198.

Submission:

Labcorp Genetics (formerly Invitae), Labcorp
Classification: Likely pathogenic for Familial hypocalciuric hypercalcemia; Autosomal dominant hypocalcemia 1. Last evaluated: 2024-07-18. Review status: criteria provided, single submitter. Criteria: Invitae Variant Classification Sherloc (09022015). Collection method: clinical testing. Allele origin: germline.
Comment: This sequence change replaces cysteine, which is neutral and slightly polar, with phenylalanine, which is neutral and non-polar, at codon 562 of the CASR protein (p.Cys562Phe). This variant is not present in population databases (gnomAD no frequency). This missense change has been observed in individual(s) with clinical features of CASR-related hypocalciuric hypercalcemia (Invitae). In at least one individual the variant was observed to be de novo. An algorithm developed to predict the effect of missense changes on protein structure and function (PolyPhen-2) suggests that this variant is likely to be disruptive. In summary, the currently available evidence indicates that the variant is pathogenic, but additional data are needed to prove that conclusively. Therefore, this variant has been classified as Likely Pathogenic.